The following is an entry in ClinVar:

ClinVar aggregate classification (germline): Uncertain significance (1 of 4 stars; one submission).

Allele frequency attached by ClinVar (database versions not stated): gnomAD 0.00001.

Submission:

Labcorp Genetics (formerly Invitae), Labcorp
Classification: Uncertain significance. Last evaluated: 2025-03-24. Review status: criteria provided, single submitter. Criteria: Invitae Variant Classification Sherloc (09022015). Collection method: clinical testing. Allele origin: germline.
Comment: This sequence change replaces threonine, which is neutral and polar, with isoleucine, which is neutral and non-polar, at codon 212 of the TPP1 protein (p.Thr212Ile). This variant is not present in population databases (gnomAD no frequency). This variant has not been reported in the literature in individuals affected with TPP1-related conditions. ClinVar contains an entry for this variant (Variation ID: 1916075). Invitae Evidence Modeling of protein sequence and biophysical properties (such as structural, functional, and spatial information, amino acid conservation, physicochemical variation, residue mobility, and thermodynamic stability) indicates that this missense variant is expected to disrupt TPP1 protein function with a positive predictive value of 95%. In summary, the available evidence is currently insufficient to determine the role of this variant in disease. Therefore, it has been classified as a Variant of Uncertain Significance.

NM_000391.4(TPP1):c.635C>T (p.Thr212Ile)

Gene: TPP1 (tripeptidyl peptidase 1; minus strand). Cytogenetic location: 11p15.4.
Variant type: single nucleotide variant.
Coding change: c.635C>T on transcript NM_000391.4 (MANE Select); coding-DNA position 635, C replaced by T.
Protein change: p.Thr212Ile; replaces threonine 212 with isoleucine.
Molecular consequence: missense variant.
Genome position (GRCh38, 1-based): chr11:6,617,027, G>A on the plus strand (C>T on the coding strand, the complement: TPP1 is on the minus strand). VCF-style: chr11-6617027-G-A. GRCh37 (hg19) VCF-style: chr11-6638258-G-A.
Other names: short protein forms T212I.
Identifiers: ClinVar variation 1916075 (VCV001916075.3), dbSNP rs760791212, ClinGen allele CA379475412.